The following is an entry in ClinVar:

NM_005228.5(EGFR):c.1386A>G (p.Ile462Met)

Gene: EGFR (epidermal growth factor receptor; plus strand). Cytogenetic location: 7p11.2.
Variant type: single nucleotide variant.
Coding change: c.1386A>G on transcript NM_005228.5 (MANE Select); coding-DNA position 1386, A replaced by G.
Protein change: p.Ile462Met; replaces isoleucine 462 with methionine.
Molecular consequence: missense variant.
Genome position (GRCh38, 1-based): chr7:55,160,226, A>G. VCF-style: chr7-55160226-A-G. GRCh37 (hg19) VCF-style: chr7-55227919-A-G.
Other names: c.1251A>G, p.Ile417Met (NM_001346897.2, NM_001346899.2); c.1386A>G, p.Ile462Met (NM_001346898.2, NM_201282.2, NM_201284.2); c.1227A>G, p.Ile409Met (NM_001346900.2); c.585A>G, p.Ile195Met (NM_001346941.2); short protein forms I409M, I195M, I417M, I462M.
Identifiers: ClinVar variation 858361 (VCV000858361.9), dbSNP rs1197924233, ClinGen allele CA367579492.

ClinVar aggregate classification (germline): Uncertain significance. Review status: criteria provided, multiple submitters, no conflicts (2 of 4 stars). 2 submissions from 2 submitters: Uncertain significance (2). Last evaluated 2026-02-02.

Conditions:
Hereditary cancer-predisposing syndrome. Also called: Tumor predisposition; Hereditary neoplastic syndrome; Neoplastic Syndromes, Hereditary; Hereditary Cancer Syndrome. Identifiers: Orphanet 140162, MedGen C0027672, MeSH D009386, MONDO:0015356.
EGFR-related lung cancer (EGFR). Identifiers: MedGen CN130014.

Allele frequency attached by ClinVar (database versions not stated): gnomAD exomes 0.00002; gnomAD 0.00003; TOPMed 0.00003.
gnomAD v4.1: 49 of 1,614,076 alleles (0.003%); highest among the groups gnomAD compares: Non-Finnish European, 0.0036%; no homozygotes.

Submissions (2):

Labcorp Genetics (formerly Invitae), Labcorp
Classification: Uncertain significance for EGFR-related lung cancer. Last evaluated: 2026-02-02. Review status: criteria provided, single submitter. Criteria: Invitae Variant Classification Sherloc (09022015). Collection method: clinical testing. Allele origin: germline.
Comment: This sequence change replaces isoleucine, which is neutral and non-polar, with methionine, which is neutral and non-polar, at codon 462 of the EGFR protein (p.Ile462Met). This variant is present in population databases (no rsID available, gnomAD 0.003%). This variant has not been reported in the literature in individuals affected with EGFR-related conditions. ClinVar contains an entry for this variant (Variation ID: 858361). Invitae Evidence Modeling of protein sequence and biophysical properties (such as structural, functional, and spatial information, amino acid conservation, physicochemical variation, residue mobility, and thermodynamic stability) indicates that this missense variant is not expected to disrupt EGFR protein function with a negative predictive value of 80%. In summary, the available evidence is currently insufficient to determine the role of this variant in disease. Therefore, it has been classified as a Variant of Uncertain Significance.

Ambry Genetics
Classification: Uncertain significance for Hereditary cancer-predisposing syndrome. Last evaluated: 2025-01-15. Review status: criteria provided, single submitter. Criteria: Ambry Variant Classification Scheme 2023. Collection method: clinical testing. Allele origin: germline.
Comment: The p.I462M variant (also known as c.1386A>G), located in coding exon 12 of the EGFR gene, results from an A to G substitution at nucleotide position 1386. The isoleucine at codon 462 is replaced by methionine, an amino acid with highly similar properties. This amino acid position is well conserved in available vertebrate species. In addition, this alteration is predicted to be tolerated by in silico analysis. Based on the available evidence, the clinical significance of this variant remains unclear.